The following is an entry in ClinVar:

ClinVar aggregate classification (germline): Uncertain significance. Review status: criteria provided, multiple submitters, no conflicts (2 of 4 stars). 2 submissions from 2 submitters: Uncertain significance (2). Last evaluated 2025-05-18.

Conditions:
Renal cell carcinoma. Identifiers: Orphanet 217071, MedGen C0007134, MeSH D002292, MONDO:0005086, HP:0005584.
Hereditary cancer-predisposing syndrome. Also called: Hereditary Cancer Syndrome; Tumor predisposition; Hereditary neoplastic syndrome; Neoplastic Syndromes, Hereditary. Identifiers: Orphanet 140162, MedGen C0027672, MeSH D009386, MONDO:0015356.

Submissions (2):

Labcorp Genetics (formerly Invitae), Labcorp
Classification: Uncertain significance for Renal cell carcinoma. Last evaluated: 2025-05-18. Review status: criteria provided, single submitter. Criteria: Invitae Variant Classification Sherloc (09022015). Collection method: clinical testing. Allele origin: germline.
Comment: This sequence change creates a premature translational stop signal (p.Leu911Hisfs*5) in the MET gene. It is expected to result in an absent or disrupted protein product. However, the current clinical and genetic evidence is not sufficient to establish whether loss-of-function variants in MET cause disease. This variant is not present in population databases (gnomAD no frequency). This variant has not been reported in the literature in individuals affected with MET-related conditions. ClinVar contains an entry for this variant (Variation ID: 3395099). In summary, the available evidence is currently insufficient to determine the role of this variant in disease. Therefore, it has been classified as a Variant of Uncertain Significance.

Ambry Genetics
Classification: Uncertain significance for Hereditary cancer-predisposing syndrome. Last evaluated: 2024-07-13. Review status: criteria provided, single submitter. Criteria: Ambry Variant Classification Scheme 2023. Collection method: clinical testing. Allele origin: germline.
Comment: The c.2730_2734delTTTAT variant, located in coding exon 11 of the MET gene, results from a deletion of 5 nucleotides at nucleotide positions 2730 to 2734, causing a translational frameshift with a predicted alternate stop codon (p.L911Hfs*5). This alteration is expected to result in protein truncation or nonsense-mediated mRNA decay. However, loss of function of MET has not been established as a mechanism of disease. Based on the available evidence, the clinical significance of this alteration remains unclear.

NM_000245.4(MET):c.2676_2680del (p.Leu893fs)

Gene: MET (MET proto-oncogene, receptor tyrosine kinase; plus strand). Cytogenetic location: 7q31.2.
Variant type: Deletion.
Coding change: c.2676_2680del on transcript NM_000245.4 (MANE Select); coding-DNA positions 2676 to 2680, 5 bases deleted (TTTAT; older notation c.2676_2680delTTTAT).
Protein change: p.Leu893fs; shifts the reading frame from leucine 893.
Molecular consequence: frameshift variant.
Genome position (GRCh38, 1-based): chr7:116,769,737-116,769,741, TTTAT deleted; deleting any 5 consecutive bases within chr7:116,769,736-116,769,741 gives the same sequence; the c. name uses the placement nearest the transcript's 3' end. VCF-style (leftmost placement, unchanged base first): chr7-116769735-GTTTTA-G. GRCh37 (hg19) VCF-style: chr7-116409789-GTTTTA-G.
Other names: c.2730_2734del, p.Leu911fs (NM_001127500.3); c.2676_2680del, p.Leu893fs (NM_001324401.3); c.1386_1390del, p.Leu463fs (NM_001324402.2); short protein forms L893fs, L463fs, L911fs.
Identifiers: ClinVar variation 3395099 (VCV003395099.2).
Genomic context (GRCh38, chr7:116,769,735, plus strand): 5'-GGTGAAGTGTTAAAAGTTGGAAATAAGAGCTGTGAGAATATACACTTACATTCTGAAGCC[GTTTTA>G]TGCACGGTCCCCAATGACCTGCTGAAATTGAACAGCGAGCTAAATATAGAGGTGGGATTC-3'